The following is an entry in ClinVar:

NM_001348323.3(TRIP12):c.5809-7C>A

Gene: TRIP12 (thyroid hormone receptor interactor 12; minus strand). Cytogenetic location: 2q36.3.
Variant type: single nucleotide variant.
Coding change: c.5809-7C>A on transcript NM_001348323.3 (MANE Select); 7 bases into the intron before coding-DNA position 5809, C replaced by A.
Molecular consequence: intron variant.
Genome position (GRCh38, 1-based): chr2:229,769,332, G>T on the plus strand (C>A on the coding strand, the complement: TRIP12 is on the minus strand). VCF-style: chr2-229769332-G-T. GRCh37 (hg19) VCF-style: chr2-230634048-G-T.
Other names: c.4774-7C>A (NM_001284216.2); c.5584-7C>A (NM_004238.3); c.5587-7C>A (NM_001348331.1); c.5668-7C>A (NM_001348317.1, NM_001348318.2); c.5683-7C>A (NM_001284215.2, NM_001348316.2); c.5707-7C>A (NM_001348332.1); c.5728-7C>A (NM_001284214.2, NM_001348315.2); c.5794-7C>A (NM_001348319.1, NM_001348320.2); and 4 more.
Identifiers: ClinVar variation 1702554 (VCV001702554.3), dbSNP rs1363589551, ClinGen allele CA2580065964.

ClinVar aggregate classification (germline): Uncertain significance (1 of 4 stars; one submission).

Submission:

GeneDx
Classification: Uncertain significance. Last evaluated: 2024-08-05. Review status: criteria provided, single submitter. Criteria: GeneDx Variant Classification Process June 2021. Collection method: clinical testing. Allele origin: germline.
Comment: Not observed at significant frequency in large population cohorts (gnomAD); In silico analysis supports that this variant does not alter splicing; Has not been previously published as pathogenic or benign to our knowledge